The following is an entry in ClinVar:

ClinVar aggregate classification (germline): Uncertain significance (1 of 4 stars; one submission).

Allele frequency attached by ClinVar (database versions not stated): gnomAD 0.00001; TOPMed 0.00001; ExAC 0.00002; gnomAD exomes 0.00002.
gnomAD v4.1: 5 of 1,613,810 alleles (0.00031%); highest among the groups gnomAD compares: Admixed American, 0.0083%; no homozygotes.

Submission:

Labcorp Genetics (formerly Invitae), Labcorp
Classification: Uncertain significance. Last evaluated: 2022-08-09. Review status: criteria provided, single submitter. Criteria: Invitae Variant Classification Sherloc (09022015). Collection method: clinical testing. Allele origin: germline.
Comment: In summary, the available evidence is currently insufficient to determine the role of this variant in disease. Therefore, it has been classified as a Variant of Uncertain Significance. Algorithms developed to predict the effect of missense changes on protein structure and function (SIFT, PolyPhen-2, Align-GVGD) all suggest that this variant is likely to be tolerated. ClinVar contains an entry for this variant (Variation ID: 1057033). This variant has not been reported in the literature in individuals affected with AHR-related conditions. This variant is present in population databases (rs746950181, gnomAD 0.01%). This sequence change replaces histidine, which is basic and polar, with asparagine, which is neutral and polar, at codon 831 of the AHR protein (p.His831Asn).

NM_001621.5(AHR):c.2491C>A (p.His831Asn)

Gene: AHR (aryl hydrocarbon receptor; plus strand). Cytogenetic location: 7p21.1.
Variant type: single nucleotide variant.
Coding change: c.2491C>A on transcript NM_001621.5 (MANE Select); coding-DNA position 2491, C replaced by A.
Protein change: p.His831Asn; replaces histidine 831 with asparagine.
Molecular consequence: missense variant.
Genome position (GRCh38, 1-based): chr7:17,343,008, C>A. VCF-style: chr7-17343008-C-A. GRCh37 (hg19) VCF-style: chr7-17382632-C-A.
Other names: short protein forms H831N.
Identifiers: ClinVar variation 1057033 (VCV001057033.10), dbSNP rs746950181, ClinGen allele CA4172319.